The following is an entry in ClinVar:

ClinVar aggregate classification (germline): Uncertain significance (1 of 4 stars; one submission).

Submission:

Labcorp Genetics (formerly Invitae), Labcorp
Classification: Uncertain significance. Last evaluated: 2025-02-26. Review status: criteria provided, single submitter. Criteria: Invitae Variant Classification Sherloc (09022015). Collection method: clinical testing. Allele origin: germline.
Comment: This sequence change replaces leucine, which is neutral and non-polar, with phenylalanine, which is neutral and non-polar, at codon 387 of the THBD protein (p.Leu387Phe). This variant is not present in population databases (gnomAD no frequency). This variant has not been reported in the literature in individuals affected with THBD-related conditions. Invitae Evidence Modeling of protein sequence and biophysical properties (such as structural, functional, and spatial information, amino acid conservation, physicochemical variation, residue mobility, and thermodynamic stability) indicates that this missense variant is not expected to disrupt THBD protein function with a negative predictive value of 80%. In summary, the available evidence is currently insufficient to determine the role of this variant in disease. Therefore, it has been classified as a Variant of Uncertain Significance.

NM_000361.3(THBD):c.1159C>T (p.Leu387Phe)

Gene: THBD (thrombomodulin; minus strand). Cytogenetic location: 20p11.21.
Variant type: single nucleotide variant.
Coding change: c.1159C>T on transcript NM_000361.3 (MANE Select); coding-DNA position 1159, C replaced by T.
Protein change: p.Leu387Phe; replaces leucine 387 with phenylalanine.
Molecular consequence: missense variant.
Genome position (GRCh38, 1-based): chr20:23,048,346, G>A on the plus strand (C>T on the coding strand, the complement: THBD is on the minus strand). VCF-style: chr20-23048346-G-A. GRCh37 (hg19) VCF-style: chr20-23028983-G-A.
Other names: short protein forms L387F.
Identifiers: ClinVar variation 3679128 (VCV003679128.2).